The following is an entry in ClinVar:

ClinVar aggregate classification (germline): Likely benign. Review status: criteria provided, multiple submitters, no conflicts (2 of 4 stars). 5 submissions from 5 submitters: Likely benign (5). Last evaluated 2026-09-21.

Conditions:
Cardiovascular phenotype. Identifiers: MedGen CN230736.
Dilated cardiomyopathy 1G (CMD1G). Identifiers: Orphanet 154, MedGen C1858763, MONDO:0011400, OMIM 604145.
Autosomal recessive limb-girdle muscular dystrophy type 2J (LGMDR10). Also called: Limb-girdle muscular dystrophy, type 2J; MUSCULAR DYSTROPHY, LIMB-GIRDLE, AUTOSOMAL RECESSIVE 10. Identifiers: Orphanet 140922, MedGen C1837342, MONDO:0012127, OMIM 608807.

Allele frequency attached by ClinVar (database versions not stated): gnomAD exomes 0.00001; gnomAD 0.00007 and 0.00009; ESP Exome Variant Server 0.00008; ExAC 0.00001; TOPMed 0.00009.
gnomAD v4.1: 22 of 1,613,240 alleles (0.0014%); highest among the groups gnomAD compares: African/African-American, 0.029%; no homozygotes.

Submissions (5):

Molecular Diagnostic Laboratory for Inherited Cardiovascular Disease, Montreal Heart Institute
Classification: Likely benign. Last evaluated: 2026-09-21. Review status: criteria provided, single submitter. Criteria: ACMG Guidelines, 2015. Collection method: clinical testing. Allele origin: germline. Affected: no.
Comment: BP4

Labcorp Genetics (formerly Invitae), Labcorp
Classification: Likely benign for Dilated cardiomyopathy 1G; Autosomal recessive limb-girdle muscular dystrophy type 2J. Last evaluated: 2025-09-02. Review status: criteria provided, single submitter. Criteria: Invitae Variant Classification Sherloc (09022015). Collection method: clinical testing. Allele origin: germline.

Women's Health and Genetics/Laboratory Corporation of America, LabCorp
Classification: Likely benign. Last evaluated: 2021-10-09. Review status: criteria provided, single submitter. Criteria: LabCorp Variant Classification Summary - May 2015. Collection method: clinical testing. Allele origin: germline.

Ambry Genetics
Classification: Likely benign for Cardiovascular phenotype. Last evaluated: 2020-06-25. Review status: criteria provided, single submitter. Criteria: Ambry Variant Classification Scheme 2023. Collection method: clinical testing. Allele origin: germline.

GeneDx
Classification: Likely benign. Last evaluated: 2016-08-10. Review status: criteria provided, single submitter. Criteria: GeneDx Variant Classification (06012015). Collection method: clinical testing. Allele origin: germline. Affected: yes.
Comment: This variant is considered likely benign or benign based on one or more of the following criteria: it is a conservative change, it occurs at a poorly conserved position in the protein, it is predicted to be benign by multiple in silico algorithms, and/or has population frequency not consistent with disease.

NM_001267550.2(TTN):c.64059T>C (p.Asp21353=)

Genes: TTN (titin; minus strand), TTN-AS1 (TTN antisense RNA 1; plus strand). Cytogenetic location: 2q31.2.
Variant type: single nucleotide variant.
Coding change: c.64059T>C on transcript NM_001267550.2 (MANE Select); coding-DNA position 64059, T replaced by C.
Protein change: p.Asp21353=; no amino-acid change (aspartic acid 21353 retained).
Molecular consequence: synonymous variant.
Genome position (GRCh38, 1-based): chr2:178,587,152, A>G on the plus strand (T>C on the coding strand, the complement: TTN is on the minus strand). VCF-style: chr2-178587152-A-G. GRCh37 (hg19) VCF-style: chr2-179451879-A-G.
Other names: c.59136T>C, p.Asp19712= (NM_001256850.1); c.36864T>C, p.Asp12288= (NM_003319.4); c.56355T>C, p.Asp18785= (NM_133378.4); c.37239T>C, p.Asp12413= (NM_133432.3); c.37440T>C, p.Asp12480= (NM_133437.4).
Identifiers: ClinVar variation 382149 (VCV000382149.14), dbSNP rs377184630, ClinGen allele CA1991975.